The following is an entry in ClinVar:

NM_001127222.2(CACNA1A):c.6193G>A (p.Val2065Met)

Gene: CACNA1A (calcium voltage-gated channel subunit alpha1 A; minus strand). Cytogenetic location: 19p13.13.
Variant type: single nucleotide variant.
Coding change: c.6193G>A on transcript NM_001127222.2 (MANE Select); coding-DNA position 6193, G replaced by A.
Protein change: p.Val2065Met; replaces valine 2065 with methionine.
Molecular consequence: missense variant.
Genome position (GRCh38, 1-based): chr19:13,212,213, C>T on the plus strand (G>A on the coding strand, the complement: CACNA1A is on the minus strand). VCF-style: chr19-13212213-C-T. GRCh37 (hg19) VCF-style: chr19-13323027-C-T.
Other names: c.6211G>A, p.Val2071Met (NM_000068.4, NM_023035.3); c.6196G>A, p.Val2066Met (NM_001127221.2); c.6202G>A, p.Val2068Met (NM_001174080.2); short protein forms V2065M, V2066M, V2068M, V2071M.
Identifiers: ClinVar variation 1026015 (VCV001026015.16), dbSNP rs776203885, ClinGen allele CA9239435.
Genomic context (GRCh38, chr19:13,212,213, plus strand): 5'-CCATGGGGAGGTAGTGCTCGCTGTCGGAGTAGCCATCTCTGCCCATCTCTCGCATCTCCA[C>T]GGACTGCGGAGCAGATGGCAAAGCCAGATGAGCTCTGGGGCCTGACCTCCAGATCCCTGG-3'
Protein context (NP_001120694.1, residues 2055-2075): MPNSQPNSQS[Val2065Met]EMREMGRDGY

ClinVar aggregate classification (germline): Uncertain significance. Review status: criteria provided, multiple submitters, no conflicts (2 of 4 stars). 5 submissions from 5 submitters: Uncertain significance (5). Last evaluated 2025-12-01.

Conditions:
Developmental and epileptic encephalopathy, 42 (DEE42A). Also called: DEVELOPMENTAL AND EPILEPTIC ENCEPHALOPATHY 42A; EPILEPTIC ENCEPHALOPATHY, EARLY INFANTILE, 42A; Epileptic encephalopathy, early infantile, 42. Identifiers: MedGen C4310716, MONDO:0014917, OMIM 617106.
Episodic ataxia type 2 (EA2). Also called: ACETAZOLAMIDE-RESPONSIVE HEREDITARY PAROXYSMAL CEREBELLAR ATAXIA; EPISODIC ATAXIA, NYSTAGMUS-ASSOCIATED; ATAXIA, EPISODIC, WITH NYSTAGMUS; ATAXIA, FAMILIAL PAROXYSMAL; CEREBELLAR ATAXIA, PAROXYSMAL, ACETAZOLAMIDE-RESPONSIVE; CEREBELLOPATHY, HEREDITARY PAROXYSMAL. Identifiers: Orphanet 97, MedGen C1720416, MONDO:0007163, OMIM 108500.

Allele frequency attached by ClinVar (database versions not stated): ExAC 0.00001; gnomAD 0.00003.
gnomAD v4.1: 11 of 1,613,164 alleles (0.00068%); highest among the groups gnomAD compares: African/African-American, 0.0027%; no homozygotes.

Submissions (5):

Women's Health and Genetics/Laboratory Corporation of America, LabCorp
Classification: Uncertain significance. Last evaluated: 2025-12-01. Review status: criteria provided, single submitter. Criteria: LabCorp Variant Classification Summary - May 2015. Collection method: clinical testing. Allele origin: germline.
Comment: Variant summary: CACNA1A c.6196G>A (p.Val2066Met) results in a conservative amino acid change in the encoded protein sequence. Algorithms developed to predict the effect of missense changes on protein structure and function are either unavailable or do not agree on the potential impact of this missense change. The variant allele was found at a frequency of 4e-06 in 248472 control chromosomes. The available data on variant occurrences in the general population are insufficient to allow any conclusion about variant significance. To our knowledge, no occurrence of c.6196G>A in individuals affected with CACNA1A-related conditions and no experimental evidence demonstrating its impact on protein function have been reported. ClinVar contains an entry for this variant (Variation ID: 1026015). Based on the evidence outlined above, the variant was classified as uncertain significance.

GeneDx
Classification: Uncertain significance. Last evaluated: 2024-06-17. Review status: criteria provided, single submitter. Criteria: GeneDx Variant Classification Process June 2021. Collection method: clinical testing. Allele origin: germline. Affected: yes.
Comment: Not observed at significant frequency in large population cohorts (gnomAD); In silico analysis supports that this missense variant has a deleterious effect on protein structure/function; Has not been previously published as pathogenic or benign to our knowledge

Labcorp Genetics (formerly Invitae), Labcorp
Classification: Uncertain significance for Developmental and epileptic encephalopathy, 42; Episodic ataxia type 2. Last evaluated: 2024-06-04. Review status: criteria provided, single submitter. Criteria: Invitae Variant Classification Sherloc (09022015). Collection method: clinical testing. Allele origin: germline.
Comment: This sequence change replaces valine, which is neutral and non-polar, with methionine, which is neutral and non-polar, at codon 2066 of the CACNA1A protein (p.Val2066Met). This variant is present in population databases (rs776203885, gnomAD 0.0009%). This variant has not been reported in the literature in individuals affected with CACNA1A-related conditions. ClinVar contains an entry for this variant (Variation ID: 1026015). Advanced modeling of protein sequence and biophysical properties (such as structural, functional, and spatial information, amino acid conservation, physicochemical variation, residue mobility, and thermodynamic stability) performed at Invitae indicates that this missense variant is not expected to disrupt CACNA1A protein function with a negative predictive value of 95%. In summary, the available evidence is currently insufficient to determine the role of this variant in disease. Therefore, it has been classified as a Variant of Uncertain Significance.

Athena Diagnostics
Classification: Uncertain significance. Last evaluated: 2021-11-24. Review status: criteria provided, single submitter. Criteria: Athena Diagnostics Criteria. Collection method: clinical testing. Allele origin: unknown.

Breakthrough Genomics
Classification: Uncertain significance. Review status: criteria provided, single submitter. Criteria: ACMG Guidelines, 2015. Collection method: not provided. Allele origin: germline. Inheritance: Autosomal dominant inheritance. Affected: yes.